The following is an entry in ClinVar:

ClinVar aggregate classification (germline): Uncertain significance (1 of 4 stars; one submission).

Conditions:
Autosomal dominant nonsyndromic hearing loss 3B. Identifiers: Orphanet 90635, MedGen C2675237, MONDO:0012975, OMIM 612643.
Autosomal recessive nonsyndromic hearing loss 1A (DFNB1A). Also called: Connexin 26 deafness; Deafness nonsyndromic, Connexin 26 linked; GJB6-Related DFNB 1 Nonsyndromic Hearing Loss and Deafness; Deafness, autosomal recessive 1A; Nonsyndromic Hearing Loss and Deafness, DFNB1; GJB2-Related Autosomal Recessive Nonsyndromic Hearing Loss. Identifiers: Orphanet 90636, MedGen C2673759, MONDO:0009076, OMIM 220290.
Hidrotic ectodermal dysplasia syndrome (GJB6). Also called: CLOUSTON HIDROTIC ECTODERMAL DYSPLASIA; Ectodermal dysplasia 2, hidrotic; Autosomal dominant hidrotic ectodermal dysplasia; Clouston syndrome; Clouston's hidrotic ectodermal dysplasia; ECTODERMAL DYSPLASIA 2, CLOUSTON TYPE. Identifiers: Orphanet 189, MedGen C0162361, MONDO:0007510, OMIM 129500.
Autosomal recessive nonsyndromic hearing loss 1B. Also called: DEAFNESS, AUTOSOMAL RECESSIVE 1B. Identifiers: Orphanet 90636, MedGen C2675235, MONDO:0012977, OMIM 612645.

Submission:

Labcorp Genetics (formerly Invitae), Labcorp
Classification: Uncertain significance for Autosomal dominant nonsyndromic hearing loss 3B; Hidrotic ectodermal dysplasia syndrome; Autosomal recessive nonsyndromic hearing loss 1B; Autosomal recessive nonsyndromic hearing loss 1A. Last evaluated: 2025-07-15. Review status: criteria provided, single submitter. Criteria: Invitae Variant Classification Sherloc (09022015). Collection method: clinical testing. Allele origin: germline.
Comment: This sequence change inserts a large fragment of DNA, likely a transposable element, in exon 3 of the GJB6 gene (c.377_378ins?), causing a frameshift at codon 127 (p.Arg127fs). The exact size and sequence of the insertion cannot be determined by the current assay. However, the insertion is expected to result in an absent or disrupted protein product. This variant is not present in population databases (gnomAD no frequency). This variant has not been reported in the literature in individuals affected with GJB6-related conditions. Experimental studies and prediction algorithms are not available or were not evaluated, and the functional significance of this variant is currently unknown. Retrotransposon insertions including LINE1 (L1), Alu, and SVA (SINE-VNTR-Alu) have been reported to disrupt protein function (PMID: 19763152, 20307669, 22406018). However the effect of this particular variant is unknown. In summary, the available evidence is currently insufficient to determine the role of this variant in disease. Therefore, it has been classified as a Variant of Uncertain Significance.

Literature cited by the submitters: PubMed 19763152; PubMed 20307669; PubMed 22406018.

NM_001110219.3(GJB6):c.377_378insAGGTGAAACCCCGTCTCTACTAAAAATACAAAAAATTAGCCGGGCGCGGTGGCGGGCGCCTGTAGTCCCAGCTNNNNNNNNNNAAAAAAAAAAAAAAAAAAAAAAAAAGCAGAAGGT (p.Val126_Arg127insGlyGluThrProSerLeuLeuLysIleGlnLysIleSerArgAlaArgTrpArgAlaProValValProAlaXaaXaaXaaXaaLysLysLysLysLysLysLysLysGlnLysVal)

Gene: GJB6 (gap junction protein beta 6; minus strand). Cytogenetic location: 13q12.11.
Variant type: Insertion.
Coding change: c.377_378insAGGTGAAACCCCGTCTCTACTAAAAATACAAAAAATTAGCCGGGCGCGGTGGCGGGCGCCTGTAGTCCCAGCTNNNNNNNNNNAAAAAAAAAAAAAAAAAAAAAAAAAGCAGAAGGT on transcript NM_001110219.3 (MANE Select); coding-DNA positions 377 to 378, AGGTGAAACCCCGTCTCTACTAAAAATACAAAAAATTAGCCGGGCGCGGTGGCGGGCGCCTGTAGTCCCAGCTNNNNNNNNNNAAAAAAAAAAAAAAAAAAAAAAAAAGCAGAAGGT inserted.
Protein change: p.Val126_Arg127insGlyGluThrProSerLeuLeuLysIleGlnLysIleSerArgAlaArgTrpArgAlaProValValProAlaXaaXaaXaaXaaLysLysLysLysLysLysLysLysGlnLysVal.
Genome position: GRCh38: chr13:20,223,117-20,223,118. GRCh37 (hg19): chr13:20,797,256-20,797,257.
Other names: c.377_378insAGGTGAAACCCCGTCTCTACTAAAAATACAAAAAATTAGCCGGGCGCGGTGGCGGGCGCCTGTAGTCCCAGCTNNNNNNNNNNAAAAAAAAAAAAAAAAAAAAAAAAAGCAGAAGGT, p.Val126_Arg127insGlyGluThrProSerLeuLeuLysIleGlnLysIleSerArgAlaArgTrpArgAlaProValValProAlaXaaXaaXaaXaaLysLysLysLysLysLysLysLysGlnLysVal (NM_001110220.3, NM_001110221.3, NM_001370090.1 and 3 more transcripts).
Identifiers: ClinVar variation 4785589 (VCV004785589.1).